The following is an entry in ClinVar:

ClinVar aggregate classification (germline): Pathogenic (1 of 4 stars; one submission).

Conditions:
Spongy degeneration of central nervous system. Also called: ACY2 DEFICIENCY; AMINOACYLASE 2 DEFICIENCY; ASP DEFICIENCY; ASPA DEFICIENCY; ASPARTOACYLASE DEFICIENCY; CANAVAN-VAN BOGAERT-BERTRAND DISEASE. Identifiers: Orphanet 141, MedGen C0206307, MONDO:0010079, OMIM 271900.

Submission:

Natera, Inc.
Classification: Pathogenic for Canavan Disease. Last evaluated: 2025-11-12. Review status: criteria provided, single submitter. Criteria: Natera Variant Classification Schema (03/2026). Collection method: clinical testing. Allele origin: germline.
Comment: The c.237-2A>C variant in ASPA is a canonical splice acceptor site variant predicted to affect pre-mRNA splicing, which may result in an abnormal transcript and altered protein product. This variant is expected to result in nonsense mediated decay, truncation, or a dysfunctional protein product. This variant is rare in the general population with a frequency below the threshold expected for the associated phenotype(s). Another variant at this same site results in an alteration predicted to cause a similar molecular effect has been observed in individual(s) with the associated phenotype. Given the available evidence, this variant is classified as Pathogenic.

NM_000049.4(ASPA):c.237-2A>C

Genes: ASPA (aspartoacylase; plus strand), SPATA22 (spermatogenesis associated 22; minus strand). Cytogenetic location: 17p13.2.
Variant type: single nucleotide variant.
Coding change: c.237-2A>C on transcript NM_000049.4 (MANE Select); the canonical splice acceptor site of the intron before coding-DNA position 237, A replaced by C.
Molecular consequence: splice acceptor variant. On other transcripts: intron variant (2).
Genome position (GRCh38, 1-based): chr17:3,481,601, A>C. VCF-style: chr17-3481601-A-C. GRCh37 (hg19) VCF-style: chr17-3384895-A-C.
Other names: c.-73-12203T>G (NM_001321336.2, NM_001321337.2); c.237-2A>C (NM_001128085.1).
Identifiers: ClinVar variation 4818402 (VCV004818402.1).
Genomic context (GRCh38, chr17:3,481,601, plus strand): 5'-TTATATGTTTATATTATCTCAGGCACAGATGTTGTTCATCTTTTTCTTTCTGCTTATAAC[A>C]GCAAAAAAATGTCAGAAGATTTGCCATATGAAGTGAGAAGGGCTCAAGAAATAAATCATT-3'